The following is an entry in ClinVar:

NM_139057.4(ADAMTS17):c.1748C>T (p.Pro583Leu)

Gene: ADAMTS17 (ADAM metallopeptidase with thrombospondin type 1 motif 17; minus strand). Cytogenetic location: 15q26.3.
Variant type: single nucleotide variant.
Coding change: c.1748C>T on transcript NM_139057.4 (MANE Select); coding-DNA position 1748, C replaced by T.
Protein change: p.Pro583Leu; replaces proline 583 with leucine.
Molecular consequence: missense variant.
Genome position (GRCh38, 1-based): chr15:100,116,987, G>A on the plus strand (C>T on the coding strand, the complement: ADAMTS17 is on the minus strand). VCF-style: chr15-100116987-G-A. GRCh37 (hg19) VCF-style: chr15-100657192-G-A.
Other names: short protein forms P583L.
Identifiers: ClinVar variation 887824 (VCV000887824.17), dbSNP rs201586136, ClinGen allele CA7758068.

ClinVar aggregate classification (germline): Conflicting classifications of pathogenicity. Review status: criteria provided, conflicting classifications (1 of 4 stars). 4 submissions from 4 submitters: Uncertain significance (1); Likely benign (3). Last evaluated 2025-12-15.

Conditions:
Weill-Marchesani 4 syndrome, recessive. Also called: Weill-Marchesani syndrome 4. Identifiers: Orphanet 363992, MedGen C2750787, MONDO:0013176, OMIM 613195.

Allele frequency attached by ClinVar (database versions not stated): gnomAD 0.00004 and 0.00010; TOPMed 0.00005; gnomAD exomes 0.00019 and 0.00025; 1000 Genomes Project 30x 0.00031; ExAC 0.00031; 1000 Genomes Project 0.00040.
gnomAD v4.1: 292 of 1,613,004 alleles (0.018%); highest among the groups gnomAD compares: East Asian, 0.5%; no homozygotes.

Submissions (4):

Labcorp Genetics (formerly Invitae), Labcorp
Classification: Likely benign. Last evaluated: 2025-12-15. Review status: criteria provided, single submitter. Criteria: Invitae Variant Classification Sherloc (09022015). Collection method: clinical testing. Allele origin: germline.

CeGaT Center for Human Genetics Tuebingen
Classification: Uncertain significance. Last evaluated: 2025-07-01. Review status: criteria provided, single submitter. Criteria: CeGaT Center For Human Genetics Tuebingen Variant Classification Criteria Version 2. Collection method: clinical testing. Allele origin: germline. Affected: yes. Observed: 1 variant allele.
Comment: ADAMTS17: PM2, BP4

Blueprint Genetics
Classification: Likely benign. Last evaluated: 2024-07-24. Review status: criteria provided, single submitter. Criteria: ACMG Guidelines, 2015. Collection method: clinical testing. Allele origin: germline.

Illumina Laboratory Services, Illumina
Classification: Likely benign for Weill-Marchesani 4 syndrome, recessive. Last evaluated: 2017-04-27. Review status: criteria provided, single submitter. Criteria: ICSL Variant Classification Criteria 13 December 2019. Collection method: clinical testing. Allele origin: germline.
Comment: This variant was observed as part of a predisposition screen in an ostensibly healthy population. A literature search was performed for the gene, cDNA change, and amino acid change (where applicable). No publications were found based on this search. Allele frequency data from public databases allowed determination this variant is unlikely to cause disease. Therefore, this variant is classified as likely benign.